The following is an entry in ClinVar:

NM_021942.6(TRAPPC11):c.2170A>G (p.Lys724Glu)

Gene: TRAPPC11 (trafficking protein particle complex subunit 11; plus strand). Cytogenetic location: 4q35.1.
Variant type: single nucleotide variant.
Coding change: c.2170A>G on transcript NM_021942.6 (MANE Select); coding-DNA position 2170, A replaced by G.
Protein change: p.Lys724Glu; replaces lysine 724 with glutamic acid.
Molecular consequence: missense variant.
Genome position (GRCh38, 1-based): chr4:183,693,080, A>G. VCF-style: chr4-183693080-A-G. GRCh37 (hg19) VCF-style: chr4-184614233-A-G.
Other names: c.2170A>G, p.Lys724Glu (NM_199053.3); short protein forms K724E.
Identifiers: ClinVar variation 2019989 (VCV002019989.7), dbSNP rs778401752, ClinGen allele CA3152120.

ClinVar aggregate classification (germline): Uncertain significance. Review status: criteria provided, multiple submitters, no conflicts (2 of 4 stars). 2 submissions from 2 submitters: Uncertain significance (2). Last evaluated 2022-06-20.

Conditions:
Autosomal recessive limb-girdle muscular dystrophy type R18 (LGMDR18). Also called: Limb-girdle muscular dystrophy, type 2S; MUSCULAR DYSTROPHY, LIMB-GIRDLE, AUTOSOMAL RECESSIVE 18; Autosomal recessive limb-girdle muscular dystrophy type 2S. Identifiers: Orphanet 369840, MedGen C4517996, MONDO:0014144, OMIM 615356.

Allele frequency attached by ClinVar (database versions not stated): gnomAD exomes below 0.00001; ExAC 0.00001.

Submissions (2):

Revvity Omics, Revvity
Classification: Uncertain significance for Autosomal recessive limb-girdle muscular dystrophy type R18. Last evaluated: 2022-06-20. Review status: criteria provided, single submitter. Criteria: ACMG Guidelines, 2015. Collection method: clinical testing. Allele origin: germline.

Labcorp Genetics (formerly Invitae), Labcorp
Classification: Uncertain significance for Autosomal recessive limb-girdle muscular dystrophy type R18. Last evaluated: 2022-06-10. Review status: criteria provided, single submitter. Criteria: Invitae Variant Classification Sherloc (09022015). Collection method: clinical testing. Allele origin: germline.
Comment: In summary, the available evidence is currently insufficient to determine the role of this variant in disease. Therefore, it has been classified as a Variant of Uncertain Significance. Algorithms developed to predict the effect of missense changes on protein structure and function are either unavailable or do not agree on the potential impact of this missense change (SIFT: "Tolerated"; PolyPhen-2: "Possibly Damaging"; Align-GVGD: "Class C0"). This variant has not been reported in the literature in individuals affected with TRAPPC11-related conditions. This variant is present in population databases (rs778401752, gnomAD 0.007%). This sequence change replaces lysine, which is basic and polar, with glutamic acid, which is acidic and polar, at codon 724 of the TRAPPC11 protein (p.Lys724Glu).